The following is an entry in ClinVar:

ClinVar aggregate classification (germline): Pathogenic/Likely pathogenic. Review status: criteria provided, multiple submitters, no conflicts (2 of 4 stars). 4 submissions from 4 submitters: Pathogenic (3); Likely pathogenic (1). Last evaluated 2025-10-08.

Conditions:
Endometrial carcinoma. Also called: Endometrial carcinoma, somatic. Identifiers: MedGen C0476089, MONDO:0002447, OMIM 608089, HP:0012114.
Familial adenomatous polyposis 4 (FAP4). Also called: MSH3-related attenuated familial adenomatous polyposis. Identifiers: Orphanet 480536, MedGen C4310719, MONDO:0044300, OMIM 617100.
Hereditary cancer-predisposing syndrome. Also called: Tumor predisposition; Hereditary Cancer Syndrome; Neoplastic Syndromes, Hereditary; Hereditary neoplastic syndrome. Identifiers: Orphanet 140162, MedGen C0027672, MeSH D009386, MONDO:0015356.

Submissions (4):

Myriad Genetics, Inc.
Classification: Pathogenic for Familial adenomatous polyposis 4. Last evaluated: 2025-10-08. Review status: criteria provided, single submitter. Criteria: Myriad Autosomal Dominant, Autosomal Recessive and X-Linked Classification Criteria (2023). Collection method: clinical testing. Allele origin: unknown.
Comment: This variant is considered pathogenic. This variant creates a frameshift predicted to result in premature protein truncation.

Labcorp Genetics (formerly Invitae), Labcorp
Classification: Pathogenic. Last evaluated: 2024-11-24. Review status: criteria provided, single submitter. Criteria: Invitae Variant Classification Sherloc (09022015). Collection method: clinical testing. Allele origin: germline.
Comment: This sequence change creates a premature translational stop signal (p.Lys103Serfs*22) in the MSH3 gene. It is expected to result in an absent or disrupted protein product. Loss-of-function variants in MSH3 are known to be pathogenic (PMID: 27476653, 37402566). This variant is present in population databases (no rsID available, gnomAD 0.01%). This variant has not been reported in the literature in individuals affected with MSH3-related conditions. For these reasons, this variant has been classified as Pathogenic.

Ambry Genetics
Classification: Pathogenic for Hereditary cancer-predisposing syndrome. Last evaluated: 2023-01-30. Review status: criteria provided, single submitter. Criteria: Ambry Variant Classification Scheme 2023. Collection method: clinical testing. Allele origin: germline.
Comment: The c.307_310delAAAG pathogenic mutation, located in coding exon 2 of the MSH3 gene, results from a deletion of 4 nucleotides at nucleotide positions 307 to 310, causing a translational frameshift with a predicted alternate stop codon (p.K103Sfs*22). This variant is considered to be rare based on population cohorts in the Genome Aggregation Database (gnomAD). This alteration is expected to result in loss of function by premature protein truncation or nonsense-mediated mRNA decay. As such, this alteration is interpreted as a disease-causing mutation.

Baylor Genetics
Classification: Likely pathogenic for Endometrial carcinoma. Last evaluated: 2021-07-06. Review status: criteria provided, single submitter. Criteria: ACMG Guidelines, 2015. Collection method: clinical testing. Allele origin: unknown.

Literature cited by the submitters: PubMed 27476653 (cited by Labcorp Genetics (formerly Invitae), Labcorp); PubMed 37402566 (cited by Labcorp Genetics (formerly Invitae), Labcorp).

NM_002439.5(MSH3):c.307_310del (p.Lys103fs)

Gene: MSH3 (mutS homolog 3; plus strand). Cytogenetic location: 5q14.1.
Variant type: Microsatellite.
Coding change: c.307_310del on transcript NM_002439.5 (MANE Select); coding-DNA positions 307 to 310, 4 bases deleted (AAAG; older notation c.307_310delAAAG).
Protein change: p.Lys103fs; shifts the reading frame from lysine 103.
Molecular consequence: frameshift variant.
Genome position (GRCh38, 1-based): chr5:80,656,480-80,656,483, AAAG deleted; deleting any 4 consecutive bases within chr5:80,656,476-80,656,483 gives the same sequence; the c. name uses the placement nearest the transcript's 3' end. VCF-style (leftmost placement, unchanged base first): chr5-80656475-TAAAG-T. GRCh37 (hg19) VCF-style: chr5-79952294-TAAAG-T.
Other names: short protein forms K103fs.
Identifiers: ClinVar variation 822791 (VCV000822791.12), dbSNP rs1259647122, ClinGen allele CA560559029.